The following is an entry in ClinVar:

NM_001267550.2(TTN):c.71137G>C (p.Gly23713Arg)

Genes: TTN (titin; minus strand), TTN-AS1 (TTN antisense RNA 1; plus strand). Cytogenetic location: 2q31.2.
Variant type: single nucleotide variant.
Coding change: c.71137G>C on transcript NM_001267550.2 (MANE Select); coding-DNA position 71137, G replaced by C.
Protein change: p.Gly23713Arg; replaces glycine 23713 with arginine.
Molecular consequence: missense variant.
Genome position (GRCh38, 1-based): chr2:178,574,995, C>G on the plus strand (G>C on the coding strand, the complement: TTN is on the minus strand). VCF-style: chr2-178574995-C-G. GRCh37 (hg19) VCF-style: chr2-179439722-C-G.
Other names: c.66214G>C, p.Gly22072Arg (NM_001256850.1); c.43942G>C, p.Gly14648Arg (NM_003319.4); c.63433G>C, p.Gly21145Arg (NM_133378.4); c.44317G>C, p.Gly14773Arg (NM_133432.3); c.44518G>C, p.Gly14840Arg (NM_133437.4); short protein forms G14648R, G14773R, G14840R, G21145R, G22072R, G23713R.
Identifiers: ClinVar variation 4685215 (VCV004685215.1).

ClinVar aggregate classification (germline): Uncertain significance (1 of 4 stars; one submission).

Submission:

GeneDx
Classification: Uncertain significance. Last evaluated: 2025-07-08. Review status: criteria provided, single submitter. Criteria: GeneDx Variant Classification Process June 2021. Collection method: clinical testing. Allele origin: germline. Affected: yes.
Comment: Not observed at significant frequency in large population cohorts (gnomAD); Missense variant in a gene in which most reported pathogenic variants are truncating/loss of function; Has not been previously published as pathogenic or benign to our knowledge